The following is an entry in ClinVar:

NM_004447.6(EPS8):c.1490T>A (p.Ile497Asn)

Gene: EPS8 (EGFR pathway substrate 8, signaling adaptor; minus strand). Cytogenetic location: 12p12.3.
Variant type: single nucleotide variant.
Coding change: c.1490T>A on transcript NM_004447.6 (MANE Select); coding-DNA position 1490, T replaced by A.
Protein change: p.Ile497Asn; replaces isoleucine 497 with asparagine.
Molecular consequence: missense variant. On other transcripts: non-coding transcript variant (3).
Genome position (GRCh38, 1-based): chr12:15,647,205, A>T on the plus strand (T>A on the coding strand, the complement: EPS8 is on the minus strand). VCF-style: chr12-15647205-A-T. GRCh37 (hg19) VCF-style: chr12-15800139-A-T.
Other names: c.1490T>A, p.Ile497Asn (NM_001413831.1, NM_001413832.1, NM_001413833.1 and 1 more transcripts); c.1250T>A, p.Ile417Asn (NM_001413835.1, NM_001413836.1); c.1073T>A, p.Ile358Asn (NM_001413837.1); c.710T>A, p.Ile237Asn (NM_001413838.1); short protein forms I237N, I358N, I417N, I497N.
Identifiers: ClinVar variation 2505089 (VCV002505089.3), dbSNP rs775268001, ClinGen allele CA6467546.
Genomic context (GRCh38, chr12:15,647,205, plus strand): 5'-GAAGTTGGCTTAAAAGCAACAGCAGCTTCCCCTTGGTCCAGGTGGGATCCTCTTGTGTAA[A>T]TGTTGCTACTGAACGCATAGCCATCGGCTGGATGATACTCTGATACACTGGAATGCTGAA-3'
Protein context (NP_004438.3, residues 487-507): PADGYAFSSN[Ile497Asn]YTRGSHLDQG

ClinVar aggregate classification (germline): Uncertain significance (1 of 4 stars; one submission).

Conditions:
Inborn genetic diseases. Identifiers: MedGen C0950123, MeSH D030342.
Autosomal recessive nonsyndromic hearing loss 102. Also called: Deafness, autosomal recessive 102. Identifiers: Orphanet 90636, MedGen C3892050, MONDO:0014428, OMIM 615974.

Allele frequency attached by ClinVar (database versions not stated): ExAC 0.00003.
gnomAD v4.1: 16 of 1,613,862 alleles (0.00099%); highest among the groups gnomAD compares: East Asian, 0.033%; no homozygotes.

Submission:

Ambry Genetics
Classification: Uncertain significance for Inborn genetic diseases. Last evaluated: 2024-01-24. Review status: criteria provided, single submitter. Criteria: Ambry Variant Classification Scheme 2023. Collection method: clinical testing. Allele origin: germline.